The following is an entry in ClinVar:

NM_032578.4(MYPN):c.1739G>A (p.Gly580Glu)

Gene: MYPN (myopalladin; plus strand). Cytogenetic location: 10q21.3.
Variant type: single nucleotide variant.
Coding change: c.1739G>A on transcript NM_032578.4 (MANE Select); coding-DNA position 1739, G replaced by A.
Protein change: p.Gly580Glu; replaces glycine 580 with glutamic acid.
Molecular consequence: missense variant. On other transcripts: non-coding transcript variant (2).
Genome position (GRCh38, 1-based): chr10:68,166,432, G>A. VCF-style: chr10-68166432-G-A. GRCh37 (hg19) VCF-style: chr10-69926189-G-A.
Other names: c.1739G>A, p.Gly580Glu (NM_001256267.2); c.857G>A, p.Gly286Glu (NM_001256268.2); short protein forms G286E, G580E.
Identifiers: ClinVar variation 3228156 (VCV003228156.1), dbSNP rs2495735568, ClinGen allele CA376839988.

ClinVar aggregate classification (germline): Uncertain significance (1 of 4 stars; one submission).

Conditions:
Cardiovascular phenotype. Identifiers: MedGen CN230736.

Submission:

Ambry Genetics
Classification: Uncertain significance for Cardiovascular phenotype. Last evaluated: 2024-01-29. Review status: criteria provided, single submitter. Criteria: Ambry Variant Classification Scheme 2023. Collection method: clinical testing. Allele origin: germline.
Comment: The p.G580E variant (also known as c.1739G>A), located in coding exon 9 of the MYPN gene, results from a G to A substitution at nucleotide position 1739. The glycine at codon 580 is replaced by glutamic acid, an amino acid with similar properties. This amino acid position is conserved. In addition, this alteration is predicted to be deleterious by in silico analysis. Based on the available evidence, the clinical significance of this alteration remains unclear.